The following is an entry in ClinVar:

NM_000202.8(IDS):c.1470T>A (p.Tyr490Ter)

Gene: IDS (iduronate 2-sulfatase; minus strand). Cytogenetic location: Xq28.
Variant type: single nucleotide variant.
Coding change: c.1470T>A on transcript NM_000202.8 (MANE Select); coding-DNA position 1470, T replaced by A.
Protein change: p.Tyr490Ter; replaces tyrosine 490 with a stop codon.
Molecular consequence: nonsense.
Genome position (GRCh38, 1-based): chrX:149,482,929, A>T on the plus strand (T>A on the coding strand, the complement: IDS is on the minus strand). VCF-style: chrX-149482929-A-T. GRCh37 (hg19) VCF-style: chrX-148564460-A-T.
Other names: c.1200T>A, p.Tyr400Ter (NM_001166550.4); short protein forms Y400*, Y490*.
Identifiers: ClinVar variation 2737379 (VCV002737379.5), dbSNP rs2123994176, ClinGen allele CA414518018.
Genomic context (GRCh38, chrX:149,482,929, plus strand): 5'-AAATTCATCAGGATTGAAGCCAACCCACACAGTATACCTATAGTCTATGGTGCGTATGGA[A>T]TAGCCCATGATCTTTATATCTTTTAAACTCGGCTTGTCAGAATTCCACTGAGGGATGTCT-3'

ClinVar aggregate classification (germline): Pathogenic. Review status: criteria provided, multiple submitters, no conflicts (2 of 4 stars). 2 submissions from 2 submitters: Pathogenic (2). Last evaluated 2024-06-07.

Conditions:
Mucopolysaccharidosis, MPS-II (MPS2). Also called: Mucopolysaccharidosis with skin involvement; Mucopolysaccharidosis type 2; Attenuated MPS (subtype; formerly known as mild MPS II); Severe MPS II; I2S deficiency; MPS 2. Identifiers: Orphanet 580, Orphanet 79388, MedGen C0026705, MONDO:0010674, OMIM 309900.

Submissions (2):

Laboratory of Diagnosis and Therapy of Lysosomal Disorders, University of Padova
Classification: Pathogenic for Mucopolysaccharidosis, MPS-II. Last evaluated: 2024-06-07. Review status: criteria provided, single submitter. Criteria: ACMG Guidelines, 2015. Collection method: literature only. Allele origin: germline. Affected: yes. Observed: 1 variant allele.
Comment: Null variant (PVS1_Strong), Absent from controls (or at low frequency) in gnomAD database (PM2_Moderate), Patient’s phenotype or family history highly specific for the disease (PP4_Strong)

Classification method: ACMG Guidelines [PMID:25741868] with modifications

Labcorp Genetics (formerly Invitae), Labcorp
Classification: Pathogenic for Mucopolysaccharidosis, MPS-II. Last evaluated: 2023-06-24. Review status: criteria provided, single submitter. Criteria: Invitae Variant Classification Sherloc (09022015). Collection method: clinical testing. Allele origin: germline.
Comment: For these reasons, this variant has been classified as Pathogenic. This variant disrupts a region of the IDS protein in which other variant(s) (p.Gln531*) have been determined to be pathogenic (PMID: 7581397, 17091340). This suggests that this is a clinically significant region of the protein, and that variants that disrupt it are likely to be disease-causing. This premature translational stop signal has been observed in individual(s) with IDS-related conditions (PMID: 22976768). This variant is not present in population databases (gnomAD no frequency). This sequence change creates a premature translational stop signal (p.Tyr490*) in the IDS gene. While this is not anticipated to result in nonsense mediated decay, it is expected to disrupt the last 61 amino acid(s) of the IDS protein.

Literature cited by the submitters: PubMed 22976768 (cited by Laboratory of Diagnosis and Therapy of Lysosomal Disorders, University of Padova and Labcorp Genetics (formerly Invitae), Labcorp); PubMed 7581397 (cited by Labcorp Genetics (formerly Invitae), Labcorp); PubMed 17091340 (cited by Labcorp Genetics (formerly Invitae), Labcorp).